The following is an entry in ClinVar:

NM_004171.4(SLC1A2):c.261del (p.Met88fs)

Gene: SLC1A2 (solute carrier family 1 member 2; minus strand). Cytogenetic location: 11p13.
Variant type: Deletion.
Coding change: c.261del on transcript NM_004171.4 (MANE Select); coding-DNA position 261, one base deleted (G; older notation c.261delG).
Protein change: p.Met88fs; shifts the reading frame from methionine 88.
Molecular consequence: frameshift variant.
Genome position (GRCh38, 1-based): chr11:35,315,072, C deleted on the plus strand (G on the coding strand, the reverse complement: SLC1A2 is on the minus strand); the first of 2 consecutive C bases (chr11:35,315,072-35,315,073); deleting either gives the same sequence. VCF-style (leftmost placement, unchanged base first): chr11-35315071-TC-T. GRCh37 (hg19) VCF-style: chr11-35336618-TC-T.
Other names: c.234del, p.Met79fs (NM_001195728.3, NM_001252652.2); short protein forms M79fs, M88fs.
Identifiers: ClinVar variation 3766270 (VCV003766270.1).
Genomic context (GRCh38, chr11:35,315,071, plus strand): 5'-AGGTAGTCTTACCTGTGATTAAGCTGGAGATGATTAGAGGGAGAATGAGCATTTTTAGCA[TC>T]CTCATGAGTATATCCCCTGGGAAGGCTATTAACATAACCACATCAGGGTGGATGGGAGAT-3'

ClinVar aggregate classification (germline): Uncertain significance (1 of 4 stars; one submission).

Submission:

GeneDx
Classification: Uncertain significance. Last evaluated: 2024-08-20. Review status: criteria provided, single submitter. Criteria: GeneDx Variant Classification Process June 2021. Collection method: clinical testing. Allele origin: germline. Affected: yes.
Comment: Not observed at significant frequency in large population cohorts (gnomAD); Frameshift variant predicted to result in protein truncation or nonsense mediated decay in a gene or region of a gene for which loss of function is not a well-established mechanism of disease; Has not been previously published as pathogenic or benign to our knowledge